The following is an entry in ClinVar:

NM_000059.4(BRCA2):c.2961del (p.Asn987fs)

Gene: BRCA2 (BRCA2 DNA repair associated; plus strand). Cytogenetic location: 13q13.1.
Variant type: Deletion.
Coding change: c.2961del on transcript NM_000059.4 (MANE Select); coding-DNA position 2961, one base deleted (T; older notation c.2961delT).
Protein change: p.Asn987fs; shifts the reading frame from asparagine 987.
Molecular consequence: frameshift variant.
Genome position (GRCh38, 1-based): chr13:32,337,316, T deleted. VCF-style (leftmost placement, unchanged base first): chr13-32337315-AT-A. GRCh37 (hg19) VCF-style: chr13-32911452-AT-A.
Other names: c.2961delT (NM_000059.3); short protein forms N987fs.
Identifiers: ClinVar variation 254511 (VCV000254511.2), dbSNP rs886038082, ClinGen allele CA10586508.

ClinVar aggregate classification (germline): Pathogenic (3 of 4 stars; one submission).

Conditions:
Breast-ovarian cancer, familial, susceptibility to, 2 (BROVCA2). Also called: BRCA2 Hereditary Breast and Ovarian Cancer. Identifiers: Orphanet 145, MedGen C2675520, MONDO:0012933, OMIM 612555. Disease mechanism: loss of function.

Submission:

Evidence-based Network for the Interpretation of Germline Mutant Alleles (ENIGMA)
Classification: Pathogenic for Breast-ovarian cancer, familial, susceptibility to, 2. Last evaluated: 2016-09-08. Review status: reviewed by expert panel. Criteria: ENIGMA BRCA1/2 Classification Criteria (2015). Collection method: curation. Allele origin: germline.
Comment: Variant allele predicted to encode a truncated non-functional protein.